The following is an entry in ClinVar:

ClinVar aggregate classification (germline): Pathogenic (1 of 4 stars; one submission).

Conditions:
Gorlin syndrome. Also called: Basal cell nevus syndrome; Nevoid Basal Cell Carcinoma Syndrome. Identifiers: Orphanet 377, MedGen C0004779, MONDO:0007187.

Submission:

Labcorp Genetics (formerly Invitae), Labcorp
Classification: Pathogenic for Gorlin syndrome. Last evaluated: 2021-01-15. Review status: criteria provided, single submitter. Criteria: Invitae Variant Classification Sherloc (09022015). Collection method: clinical testing. Allele origin: germline.
Comment: For these reasons, this variant has been classified as Pathogenic. This variant has been observed in individual(s) with clinical features of basal cell nevus syndrome (also known as Gorlin syndrome) (Invitae). In at least one individual the variant was observed to be de novo. This variant results in the deletion of exons 7-12 and part of exon 6 (c.876_1728+1261del) of the PTCH1 gene. It is expected to disrupt RNA splicing. Variants that disrupt the donor or acceptor splice site typically lead to a loss of protein function (PMID: 16199547), and loss-of-function variants in PTCH1 are known to be pathogenic (PMID: 16301862, 16419085).

Literature cited by the submitters: PubMed 16199547; PubMed 16301862; PubMed 16419085.

NC_000009.11:g.(?_98237055)_(98242741_?)del

Gene: PTCH1 (patched 1; minus strand). Cytogenetic location: 9q22.32.
Variant type: Deletion.
Identifiers: ClinVar variation 1507474 (VCV001507474.8).